The following is an entry in ClinVar:

NM_001360016.2(G6PD):c.185C>T (p.Pro62Leu)

Gene: G6PD (glucose-6-phosphate dehydrogenase; minus strand). Cytogenetic location: Xq28.
Variant type: single nucleotide variant.
Coding change: c.185C>T on transcript NM_001360016.2 (MANE Select); coding-DNA position 185, C replaced by T.
Protein change: p.Pro62Leu; replaces proline 62 with leucine.
Molecular consequence: missense variant.
Genome position (GRCh38, 1-based): chrX:154,536,019, G>A on the plus strand (C>T on the coding strand, the complement: G6PD is on the minus strand). VCF-style: chrX-154536019-G-A. GRCh37 (hg19) VCF-style: chrX-153764234-G-A.
Other names: G6PD Musashino; c.275C>T, p.Pro92Leu (NM_000402.4); c.185C>T, p.Pro62Leu (NM_001042351.3); short protein forms P62L, P92L.
Identifiers: ClinVar variation 1722708 (VCV001722708.2), dbSNP rs2523272874, ClinGen allele CA415239907.

ClinVar aggregate classification (germline): Likely pathogenic (1 of 4 stars; one submission).

Conditions:
Anemia, nonspherocytic hemolytic, due to G6PD deficiency (CNSHA1). Also called: Hemolytic anemia due to G6PD deficiency; Class I glucose-6-phosphate dehydrogenase deficiency; Favism, susceptibility to; ANEMIA, CONGENITAL, NONSPHEROCYTIC HEMOLYTIC, 1. Identifiers: Orphanet 466026, MedGen C2720289, MONDO:0010480, OMIM 300908.

Submission:

Dunham Lab, University of Washington
Classification: Likely pathogenic for Anemia, nonspherocytic hemolytic, due to G6PD deficiency. Last evaluated: 2022-08-12. Review status: criteria provided, single submitter. Criteria: Bayesian ACMG Guidelines, 2018. Collection method: curation. Allele origin: unknown. Affected: yes.
Comment: Decreased activity in red blood cells of hemizygote (18%) (PS3) but variant has normal stability. Not observed in gnomAD (PM2). Post_P 0.949 (odds of pathogenicity 168.4, Prior_P 0.1).

Literature cited by the submitters: PubMed 3591235.